The following is an entry in ClinVar:

ClinVar aggregate classification (germline): Uncertain significance (1 of 4 stars; one submission).

Conditions:
Inborn genetic diseases. Identifiers: MedGen C0950123, MeSH D030342.

Allele frequency attached by ClinVar (database versions not stated): gnomAD exomes below 0.00001.

Submission:

Ambry Genetics
Classification: Uncertain significance for Inborn genetic diseases. Last evaluated: 2017-06-30. Review status: criteria provided, single submitter. Criteria: Ambry Variant Classification Scheme 2023. Collection method: clinical testing. Allele origin: germline.
Comment: The p.D179H variant (also known as c.535G>C), located in coding exon 5 of the CHRNB2 gene, results from a G to C substitution at nucleotide position 535. The aspartic acid at codon 179 is replaced by histidine, an amino acid with similar properties. This amino acid position is highly conserved in available vertebrate species. In addition, this alteration is predicted to be deleterious by in silico analysis. Since supporting evidence is limited at this time, the clinical significance of this alteration remains unclear.

NM_000748.3(CHRNB2):c.535G>C (p.Asp179His)

Gene: CHRNB2 (cholinergic receptor nicotinic beta 2 subunit; plus strand). Cytogenetic location: 1q21.3.
Variant type: single nucleotide variant.
Coding change: c.535G>C on transcript NM_000748.3 (MANE Select); coding-DNA position 535, G replaced by C.
Protein change: p.Asp179His; replaces aspartic acid 179 with histidine.
Molecular consequence: missense variant.
Genome position (GRCh38, 1-based): chr1:154,571,358, G>C. VCF-style: chr1-154571358-G-C. GRCh37 (hg19) VCF-style: chr1-154543834-G-C.
Other names: short protein forms D179H.
Identifiers: ClinVar variation 1747063 (VCV001747063.2), dbSNP rs760490640, ClinGen allele CA342630254.
Genomic context (GRCh38, chr1:154,571,358, plus strand): 5'-GTAAAGCACTTCCCATTTGACCAGCAGAACTGCACCATGAAGTTCCGTTCGTGGACCTAC[G>C]ACCGCACAGAGATCGACTTGGTGCTGAAGAGTGAGGTGGCCAGCCTGGACGACTTCACAC-3'
Protein context (NP_000739.1, residues 169-189): CTMKFRSWTY[Asp179His]RTEIDLVLKS